The following is an entry in ClinVar:

NM_002114.4(HIVEP1):c.4089G>C (p.Met1363Ile)

Gene: HIVEP1 (HIVEP zinc finger 1; plus strand). Cytogenetic location: 6p24.1.
Variant type: single nucleotide variant.
Coding change: c.4089G>C on transcript NM_002114.4 (MANE Select); coding-DNA position 4089, G replaced by C.
Protein change: p.Met1363Ile; replaces methionine 1363 with isoleucine.
Molecular consequence: missense variant.
Genome position (GRCh38, 1-based): chr6:12,123,884, G>C. VCF-style: chr6-12123884-G-C. GRCh37 (hg19) VCF-style: chr6-12124117-G-C.
Other names: short protein forms M1363I.
Identifiers: ClinVar variation 375377 (VCV000375377.2), dbSNP rs776300630, ClinGen allele CA16044222.

ClinVar aggregate classification (germline): Uncertain significance. Review status: criteria provided, single submitter (1 of 4 stars). 2 submissions from 2 submitters: Uncertain significance (1). 1 of the submissions does not count toward it. Last evaluated 2024-04-12.

Conditions:
Hearing impairment. Also called: Impaired Hearing. Identifiers: MedGen C1384666, MONDO:0005365, HP:0000365.
Attention deficit hyperactivity disorder (ADHD). Also called: Attention-Deficit/Hyperactivity Disorder. Identifiers: MedGen C1263846, MONDO:0007743, HP:0007018.
Compulsive behaviors. Also called: Obsessive-compulsive behavior. Identifiers: MedGen C0600104, HP:0000722.
Seizure. Also called: Seizures. Identifiers: MedGen C0036572, HP:0001250.

Submissions (2):

Women's Health and Genetics/Laboratory Corporation of America, LabCorp
Classification: Uncertain significance. Last evaluated: 2024-04-12. Review status: criteria provided, single submitter. Criteria: LabCorp Variant Classification Summary - May 2015. Collection method: clinical testing. Allele origin: germline.
Comment: Variant summary: HIVEP1 c.4089G>C (p.Met1363Ile) results in a conservative amino acid change in the encoded protein sequence. Three of five in-silico tools predict a damaging effect of the variant on protein function. The variant was absent in 249430 control chromosomes (gnomAD). The available data on variant occurrences in the general population are insufficient to allow any conclusion about variant significance. c.4089G>C has been reported in the literature as a de novo variant in at least one individual affected with seizures, unilateral hearing loss, dysmorphic features, attention deficit hyperactivity disorder, and obsessive-compulsive disorder (e.g., Eldomery_2017), however a co-occurring, de novo CDK20 nonsense variant was also identified in the same individual. This report does not provide unequivocal conclusions about association of the variant with HIVEP1-Related Disorders. To our knowledge, no experimental evidence demonstrating an impact on protein function has been reported. The following publication was ascertained in the context of this evaluation (PMID: 28327206). ClinVar contains an entry for this variant (Variation ID: 375377). Based on the evidence outlined above and the lack of a strongly established gene-disease association for HIVEP1 at the time of ascertainment, the variant was classified as uncertain significance.

Lupski Lab, Baylor-Hopkins CMG, Baylor College of Medicine
Classification: Pathogenic for Seizure; Hearing impairment; Attention deficit hyperactivity disorder; Compulsive behaviors. Review status: no assertion criteria provided. Collection method: research. Allele origin: de novo. Inheritance: Autosomal dominant inheritance. Affected: yes. Not counted in ClinVar's aggregate classification.

Literature cited by the submitters: PubMed 28327206 (cited by Women's Health and Genetics/Laboratory Corporation of America, LabCorp).